The following is an entry in ClinVar:

ClinVar aggregate classification (germline): Uncertain significance (1 of 4 stars; one submission).

Conditions:
Cardiovascular phenotype. Identifiers: MedGen CN230736.

Submission:

Ambry Genetics
Classification: Uncertain significance for Cardiovascular phenotype. Last evaluated: 2021-06-12. Review status: criteria provided, single submitter. Criteria: Ambry Variant Classification Scheme 2023. Collection method: clinical testing. Allele origin: germline.
Comment: The p.C768F variant (also known as c.2303G>T), located in coding exon 17 of the TRPM4 gene, results from a G to T substitution at nucleotide position 2303. The cysteine at codon 768 is replaced by phenylalanine, an amino acid with highly dissimilar properties. This amino acid position is conserved. In addition, this alteration is predicted to be tolerated by in silico analysis. Since supporting evidence is limited at this time, the clinical significance of this alteration remains unclear.

NM_017636.4(TRPM4):c.2303G>T (p.Cys768Phe)

Gene: TRPM4 (transient receptor potential cation channel subfamily M member 4; plus strand). Cytogenetic location: 19q13.33.
Variant type: single nucleotide variant.
Coding change: c.2303G>T on transcript NM_017636.4 (MANE Select); coding-DNA position 2303, G replaced by T.
Protein change: p.Cys768Phe; replaces cysteine 768 with phenylalanine.
Molecular consequence: missense variant. On other transcripts: intron variant (1).
Genome position (GRCh38, 1-based): chr19:49,196,532, G>T. VCF-style: chr19-49196532-G-T. GRCh37 (hg19) VCF-style: chr19-49699789-G-T.
Other names: c.1958G>T, p.Cys653Phe (NM_001321281.2); c.695G>T, p.Cys232Phe (NM_001321282.2); c.1781G>T, p.Cys594Phe (NM_001321283.2); c.1241G>T, p.Cys414Phe (NM_001321285.2); c.2211-3768G>T (NM_001195227.2); short protein forms C414F, C653F, C768F, C232F, C594F.
Identifiers: ClinVar variation 1789324 (VCV001789324.2), dbSNP rs2514177733, ClinGen allele CA406808770.